The following is an entry in ClinVar:

NM_005876.5(SPEG):c.1451G>A (p.Arg484His)

Gene: SPEG (striated muscle enriched protein kinase; plus strand). Cytogenetic location: 2q35.
Variant type: single nucleotide variant.
Coding change: c.1451G>A on transcript NM_005876.5 (MANE Select); coding-DNA position 1451, G replaced by A.
Protein change: p.Arg484His; replaces arginine 484 with histidine.
Molecular consequence: missense variant.
Genome position (GRCh38, 1-based): chr2:219,448,609, G>A. VCF-style: chr2-219448609-G-A. GRCh37 (hg19) VCF-style: chr2-220313331-G-A.
Other names: short protein forms R484H.
Identifiers: ClinVar variation 3322131 (VCV003322131.2).
Genomic context (GRCh38, chr2:219,448,609, plus strand): 5'-CCGAGCGGCGCCGCCTGTTCCAGCAGAAAGCGGCCTCGCTGGACGAGCGCACGCGTCAGC[G>A]CAGCCCGGCCTCAGACCTCGAGCTGCGCTTCGCCCAGGAGCTGGGCCGCATCCGCCGCTC-3'
Protein context (NP_005867.3, residues 474-494): AASLDERTRQ[Arg484His]SPASDLELRF

ClinVar aggregate classification (germline): Uncertain significance. Review status: criteria provided, multiple submitters, no conflicts (2 of 4 stars). 2 submissions from 2 submitters: Uncertain significance (2). Last evaluated 2024-06-05.

Conditions:
Inborn genetic diseases. Identifiers: MedGen C0950123, MeSH D030342.

gnomAD v4.1: 5 of 1,474,816 alleles (0.00034%); highest among the groups gnomAD compares: South Asian, 0.0039%; no homozygotes.

Submissions (2):

Ambry Genetics
Classification: Uncertain significance for Inborn genetic diseases. Last evaluated: 2024-06-05. Review status: criteria provided, single submitter. Criteria: Ambry Variant Classification Scheme 2023. Collection method: clinical testing. Allele origin: germline.

Labcorp Genetics (formerly Invitae), Labcorp
Classification: Uncertain significance. Last evaluated: 2024-05-06. Review status: criteria provided, single submitter. Criteria: Invitae Variant Classification Sherloc (09022015). Collection method: clinical testing. Allele origin: germline.
Comment: This sequence change replaces arginine, which is basic and polar, with histidine, which is basic and polar, at codon 484 of the SPEG protein (p.Arg484His). The frequency data for this variant in the population databases is considered unreliable, as metrics indicate poor data quality at this position in the gnomAD database. This missense change has been observed in individual(s) with clinical features of centronuclear myopathy (Invitae). Advanced modeling of protein sequence and biophysical properties (such as structural, functional, and spatial information, amino acid conservation, physicochemical variation, residue mobility, and thermodynamic stability) performed at Invitae indicates that this missense variant is expected to disrupt SPEG protein function with a positive predictive value of 95%. In summary, the available evidence is currently insufficient to determine the role of this variant in disease. Therefore, it has been classified as a Variant of Uncertain Significance.